The following is an entry in ClinVar:

ClinVar aggregate classification (germline): Conflicting classifications of pathogenicity. Review status: criteria provided, conflicting classifications (1 of 4 stars). 4 submissions from 4 submitters: Uncertain significance (1); Benign (2); Likely benign (1). Last evaluated 2026-01-08.

Conditions:
D-2-hydroxyglutaric aciduria 1 (D2HGA1). Identifiers: Orphanet 79315, MedGen C3152055, MONDO:0024554, OMIM 600721.

Allele frequency attached by ClinVar (database versions not stated): gnomAD exomes 0.00031 and 0.00102; gnomAD 0.00038 and 0.00054; TOPMed 0.00074; ExAC 0.00101; 1000 Genomes Project 30x 0.00172; 1000 Genomes Project 0.00200.
gnomAD v4.1: 543 of 1,613,182 alleles (0.034%); highest among the groups gnomAD compares: East Asian, 0.91%; 4 homozygotes.

Submissions (4):

Labcorp Genetics (formerly Invitae), Labcorp
Classification: Benign for D-2-hydroxyglutaric aciduria 1. Last evaluated: 2026-01-08. Review status: criteria provided, single submitter. Criteria: Invitae Variant Classification Sherloc (09022015). Collection method: clinical testing. Allele origin: germline.

Blueprint Genetics
Classification: Likely benign. Last evaluated: 2024-11-07. Review status: criteria provided, single submitter. Criteria: ACMG Guidelines, 2015. Collection method: clinical testing. Allele origin: germline.

Illumina Laboratory Services, Illumina
Classification: Benign for D-2-hydroxyglutaric aciduria 1. Last evaluated: 2018-01-13. Review status: criteria provided, single submitter. Criteria: ICSL Variant Classification Criteria 13 December 2019. Collection method: clinical testing. Allele origin: germline.
Comment: This variant was observed in the ICSL laboratory as part of a predisposition screen in an ostensibly healthy population. It had not been previously curated by ICSL or reported in the Human Gene Mutation Database (HGMD: prior to June 1st, 2018), and was therefore a candidate for classification through an automated scoring system. Utilizing variant allele frequency, disease prevalence and penetrance estimates, and inheritance mode, an automated score was calculated to assess if this variant is too frequent to cause the disease. Based on the score and internal cut-off values, a variant classified as benign is not then subjected to further curation. The score for this variant resulted in a classification of benign for this disease.

GeneDx
Classification: Uncertain significance. Last evaluated: 2017-06-06. Review status: criteria provided, single submitter. Criteria: GeneDx Variant Classification (06012015). Collection method: clinical testing. Allele origin: germline. Affected: yes.
Comment: The R395W variant in the D2HGDH gene has not been reported previously as a pathogenic variant, nor as a benign variant, to our knowledge. The R395W variant is observed in 108/8608 (1.25%) alleles from individuals of East Asian background, in the ExAC dataset (Lek et al., 2016). The R395W variant is a non-conservative amino acid substitution, which is likely to impact secondary protein structure as these residues differ in polarity, charge, size and/or other properties. This substitution occurs at a position that is not conserved. In silico analysis is inconsistent in its predictions as to whether or not the variant is damaging to the protein structure/function. We interpret R395W as a variant of uncertain significance.

NM_152783.5(D2HGDH):c.1183C>T (p.Arg395Trp)

Gene: D2HGDH (D-2-hydroxyglutarate dehydrogenase; plus strand). Cytogenetic location: 2q37.3.
Variant type: single nucleotide variant.
Coding change: c.1183C>T on transcript NM_152783.5 (MANE Select); coding-DNA position 1183, C replaced by T.
Protein change: p.Arg395Trp; replaces arginine 395 with tryptophan.
Molecular consequence: missense variant. On other transcripts: non-coding transcript variant (1).
Genome position (GRCh38, 1-based): chr2:241,755,891, C>T. VCF-style: chr2-241755891-C-T. GRCh37 (hg19) VCF-style: chr2-242695306-C-T.
Other names: c.781C>T, p.Arg261Trp (NM_001287249.2); c.622C>T, p.Arg208Trp (NM_001352824.2); short protein forms R395W, R208W, R261W.
Identifiers: ClinVar variation 335317 (VCV000335317.17), dbSNP rs149628174, ClinGen allele CA2222111.